The following is an entry in ClinVar:

ClinVar aggregate classification (germline): Uncertain significance (1 of 4 stars; one submission).

gnomAD v4.1: 2 of 1,613,880 alleles (0.00012%); highest among the groups gnomAD compares: Non-Finnish European, 0.00017%; no homozygotes.

Submission:

Labcorp Genetics (formerly Invitae), Labcorp
Classification: Uncertain significance. Last evaluated: 2024-02-01. Review status: criteria provided, single submitter. Criteria: Invitae Variant Classification Sherloc (09022015). Collection method: clinical testing. Allele origin: germline.
Comment: This sequence change replaces valine, which is neutral and non-polar, with isoleucine, which is neutral and non-polar, at codon 251 of the TNNI3K protein (p.Val251Ile). This variant is not present in population databases (gnomAD no frequency). This variant has not been reported in the literature in individuals affected with TNNI3K-related conditions. Advanced modeling of protein sequence and biophysical properties (such as structural, functional, and spatial information, amino acid conservation, physicochemical variation, residue mobility, and thermodynamic stability) performed at Invitae indicates that this missense variant is not expected to disrupt TNNI3K protein function with a negative predictive value of 80%. In summary, the available evidence is currently insufficient to determine the role of this variant in disease. Therefore, it has been classified as a Variant of Uncertain Significance.

NM_015978.3(TNNI3K):c.751G>A (p.Val251Ile)

Genes: FPGT-TNNI3K (FPGT-TNNI3K readthrough; plus strand), TNNI3K (TNNI3 interacting kinase; plus strand). Cytogenetic location: 1p31.1.
Variant type: single nucleotide variant.
Coding change: c.751G>A on transcript NM_015978.3 (MANE Select); coding-DNA position 751, G replaced by A.
Protein change: p.Val251Ile; replaces valine 251 with isoleucine.
Molecular consequence: missense variant.
Genome position (GRCh38, 1-based): chr1:74,342,910, G>A. VCF-style: chr1-74342910-G-A. GRCh37 (hg19) VCF-style: chr1-74808594-G-A.
Other names: c.1054G>A, p.Val352Ile (NM_001112808.3, NM_001199327.2); short protein forms V251I, V352I.
Identifiers: ClinVar variation 3691238 (VCV003691238.2).